The following is an entry in ClinVar:

NM_178452.6(DNAAF1):c.1898T>C (p.Leu633Ser)

Gene: DNAAF1 (dynein axonemal assembly factor 1; plus strand). Cytogenetic location: 16q24.1.
Variant type: single nucleotide variant.
Coding change: c.1898T>C on transcript NM_178452.6 (MANE Select); coding-DNA position 1898, T replaced by C.
Protein change: p.Leu633Ser; replaces leucine 633 with serine.
Molecular consequence: missense variant.
Genome position (GRCh38, 1-based): chr16:84,176,132, T>C. VCF-style: chr16-84176132-T-C. GRCh37 (hg19) VCF-style: chr16-84209738-T-C.
Other names: c.1190T>C, p.Leu397Ser (NM_001318756.1); short protein forms L633S, L397S.
Identifiers: ClinVar variation 163087 (VCV000163087.27), dbSNP rs2288020, ClinGen allele CA175686.
Genomic context (GRCh38, chr16:84,176,132, plus strand): 5'-CCTCAAAGGCGGCTCGGGTGCCCTTCACAGACATCTTTAAAAAAGAAGCTAAGAGGGACT[T>C]GGAAATCCGAAAACAAGACACCAAGTCCCCAAGACCCCTGATCCAGGAGCTCAGCGACGA-3'
Protein context (NP_848547.4, residues 623-643): DIFKKEAKRD[Leu633Ser]EIRKQDTKSP

ClinVar aggregate classification (germline): Benign/Likely benign. Review status: criteria provided, multiple submitters, no conflicts (2 of 4 stars). 9 submissions from 9 submitters: Benign (8); Likely benign (1). Last evaluated 2026-02-04.

Conditions:
Primary ciliary dyskinesia 13. Also called: CILIARY DYSKINESIA, PRIMARY, 13, WITH OR WITHOUT SITUS INVERSUS. Identifiers: Orphanet 244, MedGen C2750790, MONDO:0013174, OMIM 613193.
Primary ciliary dyskinesia. Also called: Ciliary dyskinesia. Identifiers: Orphanet 244, MedGen C0008780, MONDO:0016575, HP:0012265.

Allele frequency attached by ClinVar (database versions not stated): 1000 Genomes Project 30x 0.26327; 1000 Genomes Project 0.26737; ESP Exome Variant Server 0.27254; gnomAD 0.28427 and 0.28680; TOPMed 0.28698; ExAC 0.33808; gnomAD exomes 0.34520.
gnomAD v4.1: 558,159 of 1,613,394 alleles (35%); highest among the groups gnomAD compares: Admixed American, 44%; 100,022 homozygotes.

Submissions (9):

Labcorp Genetics (formerly Invitae), Labcorp
Classification: Benign for Primary ciliary dyskinesia. Last evaluated: 2026-02-04. Review status: criteria provided, single submitter. Criteria: Invitae Variant Classification Sherloc (09022015). Collection method: clinical testing. Allele origin: germline.

Blueprint Genetics
Classification: Likely benign. Last evaluated: 2024-11-27. Review status: criteria provided, single submitter. Criteria: ACMG Guidelines, 2015. Collection method: clinical testing. Allele origin: germline.

Mayo Clinic Laboratories, Mayo Clinic
Classification: Benign. Last evaluated: 2022-04-26. Review status: criteria provided, single submitter. Criteria: ACMG Guidelines, 2015. Collection method: clinical testing. Allele origin: germline. Observed: 128 variant alleles.

GeneDx
Classification: Benign. Last evaluated: 2018-11-10. Review status: criteria provided, single submitter. Criteria: GeneDx Variant Classification Process June 2021. Collection method: clinical testing. Allele origin: germline. Affected: yes.

Illumina Laboratory Services, Illumina
Classification: Benign for Primary ciliary dyskinesia 13. Last evaluated: 2018-01-12. Review status: criteria provided, single submitter. Criteria: ICSL Variant Classification Criteria 13 December 2019. Collection method: clinical testing. Allele origin: germline.
Comment: This variant was observed in the ICSL laboratory as part of a predisposition screen in an ostensibly healthy population. It had not been previously curated by ICSL or reported in the Human Gene Mutation Database (HGMD: prior to June 1st, 2018), and was therefore a candidate for classification through an automated scoring system. Utilizing variant allele frequency, disease prevalence and penetrance estimates, and inheritance mode, an automated score was calculated to assess if this variant is too frequent to cause the disease. Based on the score and internal cut-off values, a variant classified as benign is not then subjected to further curation. The score for this variant resulted in a classification of benign for this disease.

Ambry Genetics
Classification: Benign for Primary ciliary dyskinesia. Last evaluated: 2014-12-10. Review status: criteria provided, single submitter. Criteria: Ambry Variant Classification Scheme 2023. Collection method: clinical testing. Allele origin: germline.

Laboratory for Molecular Medicine, Mass General Brigham Personalized Medicine
Classification: Benign. Last evaluated: 2013-02-21. Review status: criteria provided, single submitter. Criteria: LMM Criteria. Collection method: clinical testing. Allele origin: germline. Observed: 66 variant alleles.
Comment: Leu633Ser in exon 11 of DNAAF1: This variant is not expected to have clinical si gnificance because it has been identified in 35.5% (3054/8600) of European Ameri can chromosomes from a broad population by the NHLBI Exome Sequencing Project (dbSNP rs2288020).

Breakthrough Genomics
Classification: Benign. Review status: criteria provided, single submitter. Criteria: ACMG Guidelines, 2015. Collection method: not provided. Allele origin: germline. Inheritance: Autosomal recessive inheritance. Affected: yes.

PreventionGenetics, part of Exact Sciences
Classification: Benign. Review status: criteria provided, single submitter. Criteria: ACMG Guidelines, 2015. Collection method: clinical testing. Allele origin: germline.